The following is an entry in ClinVar:

NM_001853.4(COL9A3):c.1244G>A (p.Gly415Asp)

Gene: COL9A3 (collagen type IX alpha 3 chain; plus strand). Cytogenetic location: 20q13.33.
Variant type: single nucleotide variant.
Coding change: c.1244G>A on transcript NM_001853.4 (MANE Select); coding-DNA position 1244, G replaced by A.
Protein change: p.Gly415Asp; replaces glycine 415 with aspartic acid.
Molecular consequence: missense variant.
Genome position (GRCh38, 1-based): chr20:62,830,545, G>A. VCF-style: chr20-62830545-G-A. GRCh37 (hg19) VCF-style: chr20-61461897-G-A.
Other names: c.1244G>A (NM_001853.3); short protein forms G415D.
Identifiers: ClinVar variation 1445912 (VCV001445912.10), dbSNP rs777903691, ClinGen allele CA9949848.

ClinVar aggregate classification (germline): Uncertain significance. Review status: criteria provided, multiple submitters, no conflicts (2 of 4 stars). 2 submissions from 2 submitters: Uncertain significance (2). Last evaluated 2024-03-25.

Conditions:
Inborn genetic diseases. Identifiers: MedGen C0950123, MeSH D030342.

Allele frequency attached by ClinVar (database versions not stated): gnomAD exomes below 0.00001 and 0.00001; TOPMed 0.00003; ExAC 0.00004; gnomAD 0.00004.
gnomAD v4.1: 8 of 1,607,878 alleles (0.0005%); highest among the groups gnomAD compares: African/African-American, 0.011%; no homozygotes.

Submissions (2):

Ambry Genetics
Classification: Uncertain significance for Inborn genetic diseases. Last evaluated: 2024-03-25. Review status: criteria provided, single submitter. Criteria: Ambry Variant Classification Scheme 2023. Collection method: clinical testing. Allele origin: germline.

Labcorp Genetics (formerly Invitae), Labcorp
Classification: Uncertain significance. Last evaluated: 2023-12-11. Review status: criteria provided, single submitter. Criteria: Invitae Variant Classification Sherloc (09022015). Collection method: clinical testing. Allele origin: germline.
Comment: This sequence change replaces glycine, which is neutral and non-polar, with aspartic acid, which is acidic and polar, at codon 415 of the COL9A3 protein (p.Gly415Asp). This variant is present in population databases (rs777903691, gnomAD 0.03%). This variant has not been reported in the literature in individuals affected with COL9A3-related conditions. ClinVar contains an entry for this variant (Variation ID: 1445912). Advanced modeling of protein sequence and biophysical properties (such as structural, functional, and spatial information, amino acid conservation, physicochemical variation, residue mobility, and thermodynamic stability) performed at Invitae indicates that this missense variant is expected to disrupt COL9A3 protein function with a positive predictive value of 95%. In summary, the available evidence is currently insufficient to determine the role of this variant in disease. Therefore, it has been classified as a Variant of Uncertain Significance.